The following is an entry in ClinVar:

ClinVar aggregate classification (germline): Uncertain significance. Review status: criteria provided, multiple submitters, no conflicts (2 of 4 stars). 3 submissions from 3 submitters: Uncertain significance (3). Last evaluated 2024-03-12.

Conditions:
Acrocallosal syndrome (ACLS). Also called: HALLUX DUPLICATION, POSTAXIAL POLYDACTYLY, AND ABSENCE OF CORPUS CALLOSUM; Schinzel syndrome 1; Absence of corpus callosum with unusual facial appearance, mental deficiency, duplication of the halluces and polydactyly. Identifiers: Orphanet 36, MedGen C0796147, MONDO:0008708, OMIM 200990.
Multiple epiphyseal dysplasia, Al-Gazali type. Also called: Macrocephaly with multiple epiphyseal dysplasia and distinctive facies. Identifiers: Orphanet 166024, MedGen C1846722, MONDO:0011778, OMIM 607131.
Hydrolethalus syndrome 2 (HLS2). Identifiers: Orphanet 2189, MedGen C3279899, MONDO:0013585, OMIM 614120.

Allele frequency attached by ClinVar (database versions not stated): TOPMed 0.00002; gnomAD 0.00003 and 0.00006; gnomAD exomes 0.00009; 1000 Genomes Project 30x 0.00062.
gnomAD v4.1: 109 of 1,279,674 alleles (0.0085%); highest among the groups gnomAD compares: East Asian, 0.41%; 2 homozygotes.

Submissions (3):

Fulgent Genetics
Classification: Uncertain significance for Acrocallosal syndrome; Multiple epiphyseal dysplasia, Al-Gazali type; Hydrolethalus syndrome 2. Last evaluated: 2024-03-12. Review status: criteria provided, single submitter. Criteria: ACMG Guidelines, 2015. Collection method: clinical testing. Allele origin: germline.

Labcorp Genetics (formerly Invitae), Labcorp
Classification: Uncertain significance for Acrocallosal syndrome. Last evaluated: 2022-10-21. Review status: criteria provided, single submitter. Criteria: Invitae Variant Classification Sherloc (09022015). Collection method: clinical testing. Allele origin: germline.
Comment: This sequence change replaces histidine, which is basic and polar, with leucine, which is neutral and non-polar, at codon 386 of the KIF7 protein (p.His386Leu). This variant is not present in population databases (gnomAD no frequency). This variant has not been reported in the literature in individuals affected with KIF7-related conditions. ClinVar contains an entry for this variant (Variation ID: 317371). Advanced modeling of protein sequence and biophysical properties (such as structural, functional, and spatial information, amino acid conservation, physicochemical variation, residue mobility, and thermodynamic stability) performed at Invitae indicates that this missense variant is not expected to disrupt KIF7 protein function. In summary, the available evidence is currently insufficient to determine the role of this variant in disease. Therefore, it has been classified as a Variant of Uncertain Significance.

Illumina Laboratory Services, Illumina
Classification: Uncertain significance for Acrocallosal syndrome. Last evaluated: 2018-01-13. Review status: criteria provided, single submitter. Criteria: ICSL Variant Classification Criteria 13 December 2019. Collection method: clinical testing. Allele origin: germline.

NM_198525.3(KIF7):c.1157A>T (p.His386Leu)

Gene: KIF7 (kinesin family member 7; minus strand). Cytogenetic location: 15q26.1.
Variant type: single nucleotide variant.
Coding change: c.1157A>T on transcript NM_198525.3 (MANE Select); coding-DNA position 1157, A replaced by T.
Protein change: p.His386Leu; replaces histidine 386 with leucine.
Molecular consequence: missense variant.
Genome position (GRCh38, 1-based): chr15:89,648,541, T>A on the plus strand (A>T on the coding strand, the complement: KIF7 is on the minus strand). VCF-style: chr15-89648541-T-A. GRCh37 (hg19) VCF-style: chr15-90191772-T-A.
Other names: short protein forms H386L.
Identifiers: ClinVar variation 317371 (VCV000317371.10), dbSNP rs886051537, ClinGen allele CA10642689.
Genomic context (GRCh38, chr15:89,648,541, plus strand): 5'-CCCAGGCGCATGGCGGCCGCCGCGGAGGCGGTGGCTGGGCCTGGGGCGCGCCGGCCGCGG[T>A]GGATGATGCGGGTCTCGGAGCGGTGCCGTGGCGGACCCCGCGCGCCGCTCGCCGTCTCTT-3'
Protein context (NP_940927.2, residues 376-396): PRHRSETRII[His386Leu]RGRRAPGPAT